The following is an entry in ClinVar:

NM_004304.5(ALK):c.2204+5G>C

Gene: ALK (ALK receptor tyrosine kinase; minus strand). Cytogenetic location: 2p23.2.
Variant type: single nucleotide variant.
Coding change: c.2204+5G>C on transcript NM_004304.5 (MANE Select); 5 bases into the intron after coding-DNA position 2204, G replaced by C.
Molecular consequence: intron variant.
Genome position (GRCh38, 1-based): chr2:29,251,100, C>G on the plus strand (G>C on the coding strand, the complement: ALK is on the minus strand). VCF-style: chr2-29251100-C-G. GRCh37 (hg19) VCF-style: chr2-29473966-C-G.
Identifiers: ClinVar variation 964166 (VCV000964166.7), dbSNP rs367892725, ClinGen allele CA1139656806.

ClinVar aggregate classification (germline): Uncertain significance (1 of 4 stars; one submission).

Conditions:
Neuroblastoma, susceptibility to, 3. Also called: ALK-Related Neuroblastic Tumor Susceptibility. Identifiers: Orphanet 635, MedGen C2751681, MONDO:0013083, OMIM 613014.

gnomAD v4.1: 2 of 1,613,736 alleles (0.00012%); highest among the groups gnomAD compares: Non-Finnish European, 0.00017%; no homozygotes.

Submission:

Labcorp Genetics (formerly Invitae), Labcorp
Classification: Uncertain significance for Neuroblastoma, susceptibility to, 3. Last evaluated: 2019-10-03. Review status: criteria provided, single submitter. Criteria: Invitae Variant Classification Sherloc (09022015). Collection method: clinical testing. Allele origin: germline.
Comment: Nucleotide substitutions within the consensus splice site are a relatively common cause of aberrant splicing (PMID: 17576681, 9536098). Algorithms developed to predict the effect of sequence changes on RNA splicing suggest that this variant may disrupt the consensus splice site, but this prediction has not been confirmed by published transcriptional studies. In summary, the available evidence is currently insufficient to determine the role of this variant in disease. Therefore, it has been classified as a Variant of Uncertain Significance. This variant has not been reported in the literature in individuals with ALK-related conditions. This variant is not present in population databases (ExAC no frequency). This sequence change falls in intron 12 of the ALK gene. It does not directly change the encoded amino acid sequence of the ALK protein, but it affects a nucleotide within the consensus splice site of the intron.

Literature cited by the submitters: PubMed 17576681; PubMed 9536098.